The following is an entry in ClinVar:

ClinVar aggregate classification (germline): Uncertain significance. Review status: criteria provided, multiple submitters, no conflicts (2 of 4 stars). 2 submissions from 2 submitters: Uncertain significance (2). Last evaluated 2025-01-29.

Conditions:
Sucrase-isomaltase deficiency (CSID). Also called: SI DEFICIENCY; Deficiency of isomaltase; Congenital sucrose isomaltose malabsorption; Sucrose isomaltose enzyme deficiency. Identifiers: Orphanet 35122, MedGen C1283620, MONDO:0009114, OMIM 222900.

Allele frequency attached by ClinVar (database versions not stated): ExAC 0.00001; gnomAD exomes 0.00001; gnomAD 0.00004 and 0.00005; TOPMed 0.00006.
gnomAD v4.1: 28 of 1,599,366 alleles (0.0018%); highest among the groups gnomAD compares: African/African-American, 0.029%; 1 homozygote.

Submissions (2):

Labcorp Genetics (formerly Invitae), Labcorp
Classification: Uncertain significance. Last evaluated: 2025-01-29. Review status: criteria provided, single submitter. Criteria: Invitae Variant Classification Sherloc (09022015). Collection method: clinical testing. Allele origin: germline.
Comment: This sequence change replaces tyrosine, which is neutral and polar, with histidine, which is basic and polar, at codon 474 of the SI protein (p.Tyr474His). This variant is present in population databases (rs771986263, gnomAD 0.02%). This variant has not been reported in the literature in individuals affected with SI-related conditions. ClinVar contains an entry for this variant (Variation ID: 1509274). Invitae Evidence Modeling of protein sequence and biophysical properties (such as structural, functional, and spatial information, amino acid conservation, physicochemical variation, residue mobility, and thermodynamic stability) has been performed for this missense variant. However, the output from this modeling did not meet the statistical confidence thresholds required to predict the impact of this variant on SI protein function. In summary, the available evidence is currently insufficient to determine the role of this variant in disease. Therefore, it has been classified as a Variant of Uncertain Significance.

Fulgent Genetics
Classification: Uncertain significance for Sucrase-isomaltase deficiency. Last evaluated: 2024-05-13. Review status: criteria provided, single submitter. Criteria: ACMG Guidelines, 2015. Collection method: clinical testing. Allele origin: germline.

NM_001041.4(SI):c.1420T>C (p.Tyr474His)

Gene: SI (sucrase-isomaltase; minus strand). Cytogenetic location: 3q26.1.
Variant type: single nucleotide variant.
Coding change: c.1420T>C on transcript NM_001041.4 (MANE Select); coding-DNA position 1420, T replaced by C.
Protein change: p.Tyr474His; replaces tyrosine 474 with histidine.
Molecular consequence: missense variant.
Genome position (GRCh38, 1-based): chr3:165,055,286, A>G on the plus strand (T>C on the coding strand, the complement: SI is on the minus strand). VCF-style: chr3-165055286-A-G. GRCh37 (hg19) VCF-style: chr3-164773074-A-G.
Other names: short protein forms Y474H.
Identifiers: ClinVar variation 1509274 (VCV001509274.7), dbSNP rs771986263, ClinGen allele CA2691065.